The following is an entry in ClinVar:

NM_004984.4(KIF5A):c.28A>G (p.Ile10Val)

Gene: KIF5A (kinesin family member 5A; plus strand). Cytogenetic location: 12q13.3.
Variant type: single nucleotide variant.
Coding change: c.28A>G on transcript NM_004984.4 (MANE Select); coding-DNA position 28, A replaced by G.
Protein change: p.Ile10Val; replaces isoleucine 10 with valine.
Molecular consequence: missense variant.
Genome position (GRCh38, 1-based): chr12:57,550,299, A>G. VCF-style: chr12-57550299-A-G. GRCh37 (hg19) VCF-style: chr12-57944082-A-G.
Other names: c.28A>G, p.Ile10Val (NM_001354705.2); short protein forms I10V.
Identifiers: ClinVar variation 1420543 (VCV001420543.8), dbSNP rs2140150109, ClinGen allele CA385495731.
Genomic context (GRCh38, chr12:57,550,299, plus strand): 5'-AAGAAGAGTCCCAGCCCCACGCCGGCTACCACCATGGCGGAGACCAACAACGAATGTAGC[A>G]TCAAGGTGCTCTGCCGATTCCGGCCCCTGAACCAGGCTGAGATTCTGCGGGGAGACAAGT-3'
Protein context (NP_004975.2, residues 1-20): MAETNNECS[Ile10Val]KVLCRFRPLN

ClinVar aggregate classification (germline): Uncertain significance (1 of 4 stars; one submission).

Conditions:
Spastic paraplegia. Identifiers: MedGen C0037772, HP:0001258.

Submission:

Labcorp Genetics (formerly Invitae), Labcorp
Classification: Uncertain significance for Spastic paraplegia. Last evaluated: 2021-06-04. Review status: criteria provided, single submitter. Criteria: Invitae Variant Classification Sherloc (09022015). Collection method: clinical testing. Allele origin: germline.
Comment: This sequence change replaces isoleucine with valine at codon 10 of the KIF5A protein (p.Ile10Val). The isoleucine residue is moderately conserved and there is a small physicochemical difference between isoleucine and valine. In summary, the available evidence is currently insufficient to determine the role of this variant in disease. Therefore, it has been classified as a Variant of Uncertain Significance. Advanced modeling of protein sequence and biophysical properties (such as structural, functional, and spatial information, amino acid conservation, physicochemical variation, residue mobility, and thermodynamic stability) performed at Invitae indicates that this missense variant is not expected to disrupt KIF5A protein function. This variant has not been reported in the literature in individuals with KIF5A-related conditions. This variant is not present in population databases (ExAC no frequency).